The following is an entry in ClinVar:

ClinVar aggregate classification (germline): Likely pathogenic (3 of 4 stars; one submission).

Conditions:
Monogenic diabetes. Identifiers: Orphanet 183625, MedGen C3888631, MONDO:0015967.

Submission:

ClinGen Monogenic Diabetes Variant Curation Expert Panel
Classification: Likely pathogenic for Monogenic diabetes. Last evaluated: 2024-10-24. Review status: reviewed by expert panel. Criteria: ClinGen Diabetes ACMG Specifications HNF4A V2.0.0. Collection method: curation. Allele origin: germline. Inheritance: Autosomal dominant inheritance.
Comment: The c.977C>T variant in the hepatocyte nuclear factor 4 alpha gene, HNF4A, is a missense variant at codon 326 (p.(Thr326Ile)) of NM_175914.5. This variant is absent from gnomAD v2.1.1 (PM2_Supporting). This variant is predicted to be deleterious by computational evidence, with a REVEL score of 0.946, which is greater than the MDEP VCEP threshold of 0.70 (PP3). This variant is located within the ligand-binding domain (codons 300-350) of HNF4A, which is defined as critical for the protein’s function by the ClinGen MDEP (PM1_Supporting). This variant was identified in three unrelated individuals with non-autoimmune and non-absolute/near-absolute insulin-deficient diabetes; however, PS4_Moderate cannot be applied because this number is below the ClinGen MDEP threshold (PMID: 16731861, internal lab contributors). This variant was identified as a de novo occurrence with confirmed parental relationships in one individual with a clinical picture consistent with HNF4A-MODY (MODY probability calculator result >50% and negative genetic testing for HNF1A) (PS2; PP4; PMID:16731861). This variant also segregated with diabetes with one informative meiosis in a single family; however, this does not meet the threshold for PP1 set by the ClinGen MDEP (PMID: 27236918, internal lab contributors). In summary, c.977C>T meets the criteria to be classified as likely pathogenic for monogenic diabetes. ACMG/AMP criteria applied, as specified by the ClinGen MDEP VCEP (specification version 2.0.0, approved 10/11/2023): PM2_Supporting, PP3, PM1_Supporting, PS2, PP4.

NM_175914.5(HNF4A):c.977C>T (p.Thr326Ile)

Gene: HNF4A (hepatocyte nuclear factor 4 alpha; plus strand). Cytogenetic location: 20q13.12.
Variant type: single nucleotide variant.
Coding change: c.977C>T on transcript NM_175914.5 (MANE Select); coding-DNA position 977, C replaced by T.
Protein change: p.Thr326Ile; replaces threonine 326 with isoleucine.
Molecular consequence: missense variant.
Genome position (GRCh38, 1-based): chr20:44,424,168, C>T. VCF-style: chr20-44424168-C-T. GRCh37 (hg19) VCF-style: chr20-43052808-C-T.
Other names: NM_175914.5:c.977C>T; c.1043C>T, p.Thr348Ile (NM_000457.6, NM_178849.3, NM_178850.3); c.977C>T, p.Thr326Ile (NM_001030003.3, NM_001030004.3); c.1022C>T, p.Thr341Ile (NM_001258355.2); c.968C>T, p.Thr323Ile (NM_001287182.2, NM_001287183.2, NM_001287184.2); short protein forms T323I, T326I, T341I, T348I.
Identifiers: ClinVar variation 3370457 (VCV003370457.1).